The following is an entry in ClinVar:

ClinVar aggregate classification (germline): Uncertain significance. Review status: criteria provided, multiple submitters, no conflicts (2 of 4 stars). 2 submissions from 2 submitters: Uncertain significance (2). Last evaluated 2025-08-20.

Conditions:
Familial colorectal cancer. Identifiers: MedGen CN280943, MONDO:0023113. Disease mechanism: loss of function.
Facial dysmorphism-immunodeficiency-livedo-short stature syndrome. Also called: FILS syndrome; Facial dysmorphism, immunodeficiency, livedo, and short stature. Identifiers: Orphanet 352712, MedGen C3554576, MONDO:0014058, OMIM 615139.
Hereditary cancer-predisposing syndrome. Also called: Hereditary Cancer Syndrome; Hereditary neoplastic syndrome; Tumor predisposition; Neoplastic Syndromes, Hereditary. Identifiers: Orphanet 140162, MedGen C0027672, MeSH D009386, MONDO:0015356.

Submissions (2):

Ambry Genetics
Classification: Uncertain significance for Hereditary cancer-predisposing syndrome. Last evaluated: 2025-08-20. Review status: criteria provided, single submitter. Criteria: Ambry Variant Classification Scheme 2023. Collection method: clinical testing. Allele origin: germline.
Comment: The p.S117A variant (also known as c.349T>G), located in coding exon 5 of the POLE gene, results from a T to G substitution at nucleotide position 349. The serine at codon 117 is replaced by alanine, an amino acid with similar properties. This amino acid position is conserved. In addition, this alteration is predicted to be tolerated by in silico analysis. Based on the available evidence, the clinical significance of this variant remains unclear.

Labcorp Genetics (formerly Invitae), Labcorp
Classification: Uncertain significance. Last evaluated: 2019-01-28. Review status: criteria provided, single submitter. Criteria: Invitae Variant Classification Sherloc (09022015). Collection method: clinical testing. Allele origin: germline.
Comment: In summary, the available evidence is currently insufficient to determine the role of this variant in disease. Therefore, it has been classified as a Variant of Uncertain Significance. Algorithms developed to predict the effect of missense changes on protein structure and function (SIFT, PolyPhen-2, Align-GVGD) all suggest that this variant is likely to be tolerated, but these predictions have not been confirmed by published functional studies and their clinical significance is uncertain. This variant has not been reported in the literature in individuals with POLE-related conditions. This variant is not present in population databases (ExAC no frequency). This sequence change replaces serine with alanine at codon 117 of the POLE protein (p.Ser117Ala). The serine residue is moderately conserved and there is a moderate physicochemical difference between serine and alanine.

NM_006231.4(POLE):c.349T>G (p.Ser117Ala)

Gene: POLE (DNA polymerase epsilon, catalytic subunit; minus strand). Cytogenetic location: 12q24.33.
Variant type: single nucleotide variant.
Coding change: c.349T>G on transcript NM_006231.4 (MANE Select); coding-DNA position 349, T replaced by G.
Protein change: p.Ser117Ala; replaces serine 117 with alanine.
Molecular consequence: missense variant.
Genome position (GRCh38, 1-based): chr12:132,680,028, A>C on the plus strand (T>G on the coding strand, the complement: POLE is on the minus strand). VCF-style: chr12-132680028-A-C. GRCh37 (hg19) VCF-style: chr12-133256614-A-C.
Other names: c.349T>G (NM_006231.2); short protein forms S117A.
Identifiers: ClinVar variation 841975 (VCV000841975.12), dbSNP rs2043134882, ClinGen allele CA387368281.
Genomic context (GRCh38, chr12:132,680,028, plus strand): 5'-CTTTGGGGACAGTCTCCACTTTTGCAATTTTGCCCTGAAACTTCTTGGAGAGAAAAGATG[A>C]AACTTCTCGCTCACAACCCTAATCAGGATCAGAATGAAAAGGCTTTCCATTGGTAAAATA-3'
Protein context (NP_006222.2, residues 107-127): ATRKGCEREV[Ser117Ala]SFLSKKFQGK